The following is an entry in ClinVar:

NM_001379286.1(ZNF423):c.2753A>G (p.Asn918Ser)

Gene: ZNF423 (zinc finger protein 423; minus strand). Cytogenetic location: 16q12.1.
Variant type: single nucleotide variant.
Coding change: c.2753A>G on transcript NM_001379286.1 (MANE Select); coding-DNA position 2753, A replaced by G.
Protein change: p.Asn918Ser; replaces asparagine 918 with serine.
Molecular consequence: missense variant.
Genome position (GRCh38, 1-based): chr16:49,636,423, T>C on the plus strand (A>G on the coding strand, the complement: ZNF423 is on the minus strand). VCF-style: chr16-49636423-T-C. GRCh37 (hg19) VCF-style: chr16-49670334-T-C.
Other names: c.2549A>G, p.Asn850Ser (NM_001271620.2); c.2378A>G, p.Asn793Ser (NM_001330533.2); c.2729A>G, p.Asn910Ser (NM_015069.5); c.2729A>G (NM_015069.2); short protein forms N793S, N850S, N910S, N918S.
Identifiers: ClinVar variation 1009015 (VCV001009015.9), dbSNP rs1168330405, ClinGen allele CA395841590.
Genomic context (GRCh38, chr16:49,636,423, plus strand): 5'-TGACTGCCCTTGATAAACTCAGCCTTCTTGCGTGAGCCATCATCCTCGCCCGGCCGGATA[T>C]TGTGGTCCCGCAGCCGGTGATTCTGCAGCAGCACCTCCATGGTGTAGGCCGCCCCACAGA-3'
Protein context (NP_001366215.1, residues 908-928): LLQNHRLRDH[Asn918Ser]IRPGEDDGSR

ClinVar aggregate classification (germline): Uncertain significance. Review status: criteria provided, multiple submitters, no conflicts (2 of 4 stars). 2 submissions from 2 submitters: Uncertain significance (2). Last evaluated 2024-05-10.

Conditions:
Nephronophthisis 14 (NPHP14). Identifiers: Orphanet 2318, MedGen C3539071, MONDO:0013916, OMIM 614844.

Allele frequency attached by ClinVar (database versions not stated): gnomAD exomes below 0.00001; TOPMed 0.00001.
gnomAD v4.1: 4 of 1,613,376 alleles (0.00025%); highest among the groups gnomAD compares: East Asian, 0.0022%; no homozygotes.

Submissions (2):

Ambry Genetics
Classification: Uncertain significance. Last evaluated: 2024-05-10. Review status: criteria provided, single submitter. Criteria: Ambry Variant Classification Scheme 2023. Collection method: clinical testing. Allele origin: germline.

Labcorp Genetics (formerly Invitae), Labcorp
Classification: Uncertain significance for Nephronophthisis 14. Last evaluated: 2022-02-08. Review status: criteria provided, single submitter. Criteria: Invitae Variant Classification Sherloc (09022015). Collection method: clinical testing. Allele origin: germline.
Comment: In summary, the available evidence is currently insufficient to determine the role of this variant in disease. Therefore, it has been classified as a Variant of Uncertain Significance. Algorithms developed to predict the effect of sequence changes on RNA splicing suggest that this variant may create or strengthen a splice site. Algorithms developed to predict the effect of missense changes on protein structure and function are either unavailable or do not agree on the potential impact of this missense change (SIFT: "Deleterious"; PolyPhen-2: "Benign"; Align-GVGD: "Class C0"). ClinVar contains an entry for this variant (Variation ID: 1009015). This variant has not been reported in the literature in individuals affected with ZNF423-related conditions. This variant is present in population databases (no rsID available, gnomAD no frequency). This sequence change replaces asparagine, which is neutral and polar, with serine, which is neutral and polar, at codon 910 of the ZNF423 protein (p.Asn910Ser).